The following is an entry in ClinVar:

NM_015512.5(DNAH1):c.2312C>T (p.Thr771Met)

Gene: DNAH1 (dynein axonemal heavy chain 1; plus strand). Cytogenetic location: 3p21.1.
Variant type: single nucleotide variant.
Coding change: c.2312C>T on transcript NM_015512.5 (MANE Select); coding-DNA position 2312, C replaced by T.
Protein change: p.Thr771Met; replaces threonine 771 with methionine.
Molecular consequence: missense variant.
Genome position (GRCh38, 1-based): chr3:52,349,206, C>T. VCF-style: chr3-52349206-C-T. GRCh37 (hg19) VCF-style: chr3-52383222-C-T.
Other names: short protein forms T771M.
Identifiers: ClinVar variation 2166055 (VCV002166055.2), dbSNP rs753718532, ClinGen allele CA2433221.

ClinVar aggregate classification (germline): Uncertain significance (1 of 4 stars; one submission).

Conditions:
Spermatogenic failure 18. Identifiers: MedGen C4539783, MONDO:0054615, OMIM 617576.
Ciliary dyskinesia, primary, 37 (CILD37). Also called: CILIARY DYSKINESIA, PRIMARY, 37, WITH OR WITHOUT SITUS INVERSUS. Identifiers: MedGen C4539798, MONDO:0033204, OMIM 617577.

Allele frequency attached by ClinVar (database versions not stated): ExAC 0.00004; TOPMed below 0.00001; gnomAD 0.00001; gnomAD exomes 0.00001.
gnomAD v4.1: 20 of 1,613,458 alleles (0.0012%); highest among the groups gnomAD compares: South Asian, 0.0055%; no homozygotes.

Submission:

Labcorp Genetics (formerly Invitae), Labcorp
Classification: Uncertain significance for Ciliary dyskinesia, primary, 37; Spermatogenic failure 18. Last evaluated: 2025-12-01. Review status: criteria provided, single submitter. Criteria: Invitae Variant Classification Sherloc (09022015). Collection method: clinical testing. Allele origin: germline.
Comment: This sequence change replaces threonine, which is neutral and polar, with methionine, which is neutral and non-polar, at codon 771 of the DNAH1 protein (p.Thr771Met). This variant is present in population databases (rs753718532, gnomAD 0.01%). This variant has not been reported in the literature in individuals affected with DNAH1-related conditions. ClinVar contains an entry for this variant (Variation ID: 2166055). Invitae Evidence Modeling of protein sequence and biophysical properties (such as structural, functional, and spatial information, amino acid conservation, physicochemical variation, residue mobility, and thermodynamic stability) indicates that this missense variant is not expected to disrupt DNAH1 protein function with a negative predictive value of 80%. In summary, the available evidence is currently insufficient to determine the role of this variant in disease. Therefore, it has been classified as a Variant of Uncertain Significance.